The following is an entry in ClinVar:

NM_001142800.2(EYS):c.4316del (p.Asn1439fs)

Gene: EYS (EGF-like photoreceptor maintenance factor; minus strand). Cytogenetic location: 6q12.
Variant type: Deletion.
Coding change: c.4316del on transcript NM_001142800.2 (MANE Select); coding-DNA position 4316, one base deleted (A; older notation c.4316delA).
Protein change: p.Asn1439fs; shifts the reading frame from asparagine 1439.
Molecular consequence: frameshift variant.
Genome position (GRCh38, 1-based): chr6:64,591,551, T deleted on the plus strand (A on the coding strand, the reverse complement: EYS is on the minus strand); the first of 3 consecutive T bases (chr6:64,591,551-64,591,553); deleting any one gives the same sequence. VCF-style (leftmost placement, unchanged base first): chr6-64591550-GT-G. GRCh37 (hg19) VCF-style: chr6-65301443-GT-G.
Other names: c.4316del, p.Asn1439fs (NM_001292009.2); short protein forms N1439fs.
Identifiers: ClinVar variation 2119847 (VCV002119847.4), dbSNP rs2533154320, ClinGen allele CA2580075905.

ClinVar aggregate classification (germline): Pathogenic (1 of 4 stars; one submission).

Submission:

Labcorp Genetics (formerly Invitae), Labcorp
Classification: Pathogenic. Last evaluated: 2022-03-31. Review status: criteria provided, single submitter. Criteria: Invitae Variant Classification Sherloc (09022015). Collection method: clinical testing. Allele origin: germline.
Comment: This variant is not present in population databases (gnomAD no frequency). For these reasons, this variant has been classified as Pathogenic. This variant has not been reported in the literature in individuals affected with EYS-related conditions. This sequence change creates a premature translational stop signal (p.Asn1439Thrfs*13) in the EYS gene. It is expected to result in an absent or disrupted protein product. Loss-of-function variants in EYS are known to be pathogenic (PMID: 18836446, 20333770).

Literature cited by the submitters: PubMed 18836446; PubMed 20333770.